The following is an entry in ClinVar:

NM_002047.4(GARS1):c.108C>T (p.Leu36=)

Gene: GARS1 (glycyl-tRNA synthetase 1; plus strand). Cytogenetic location: 7p14.3.
Variant type: single nucleotide variant.
Coding change: c.108C>T on transcript NM_002047.4 (MANE Select); coding-DNA position 108, C replaced by T.
Protein change: p.Leu36=; no amino-acid change (leucine 36 retained).
Molecular consequence: synonymous variant. On other transcripts: 5 prime UTR variant (1).
Genome position (GRCh38, 1-based): chr7:30,595,029, C>T. VCF-style: chr7-30595029-C-T. GRCh37 (hg19) VCF-style: chr7-30634645-C-T.
Other names: c.-55C>T (NM_001316772.1).
Identifiers: ClinVar variation 1680875 (VCV001680875.16), dbSNP rs1166263515, ClinGen allele CA454518915.

ClinVar aggregate classification (germline): Likely benign. Review status: criteria provided, multiple submitters, no conflicts (2 of 4 stars). 2 submissions from 2 submitters: Likely benign (2). Last evaluated 2025-08-01.

Conditions:
Charcot-Marie-Tooth disease type 2. Also called: Charcot-Marie-Tooth type 2. Identifiers: Orphanet 64746, MedGen C0270914, MONDO:0018993.

Allele frequency attached by ClinVar (database versions not stated): gnomAD exomes 0.00001 and 0.00002.
gnomAD v4.1: 15 of 1,575,514 alleles (0.00095%); highest among the groups gnomAD compares: Non-Finnish European, 0.0013%; no homozygotes.

Submissions (2):

CeGaT Center for Human Genetics Tuebingen
Classification: Likely benign. Last evaluated: 2025-08-01. Review status: criteria provided, single submitter. Criteria: CeGaT Center For Human Genetics Tuebingen Variant Classification Criteria Version 2. Collection method: clinical testing. Allele origin: germline. Affected: yes. Observed: 1 variant allele.
Comment: GARS1: BP4, BP7

Labcorp Genetics (formerly Invitae), Labcorp
Classification: Likely benign for Charcot-Marie-Tooth disease type 2. Last evaluated: 2024-04-24. Review status: criteria provided, single submitter. Criteria: Invitae Variant Classification Sherloc (09022015). Collection method: clinical testing. Allele origin: germline.